The following is an entry in ClinVar:

NM_007215.4(POLG2):c.836A>G (p.Gln279Arg)

Genes: MILR1 (mast cell immunoglobulin like receptor 1; plus strand), POLG2 (DNA polymerase gamma 2, accessory subunit; minus strand). Cytogenetic location: 17q23.3.
Variant type: single nucleotide variant.
Coding change: c.836A>G on transcript NM_007215.4 (MANE Select); coding-DNA position 836, A replaced by G.
Protein change: p.Gln279Arg; replaces glutamine 279 with arginine.
Molecular consequence: missense variant.
Genome position (GRCh38, 1-based): chr17:64,490,929, T>C on the plus strand (A>G on the coding strand, the complement: POLG2 is on the minus strand). VCF-style: chr17-64490929-T-C. GRCh37 (hg19) VCF-style: chr17-62487046-T-C.
Other names: short protein forms Q279R.
Identifiers: ClinVar variation 3728711 (VCV003728711.2).

ClinVar aggregate classification (germline): Uncertain significance (1 of 4 stars; one submission).

Submission:

Labcorp Genetics (formerly Invitae), Labcorp
Classification: Uncertain significance. Last evaluated: 2025-01-08. Review status: criteria provided, single submitter. Criteria: Invitae Variant Classification Sherloc (09022015). Collection method: clinical testing. Allele origin: germline.
Comment: This sequence change replaces glutamine, which is neutral and polar, with arginine, which is basic and polar, at codon 279 of the POLG2 protein (p.Gln279Arg). This variant is not present in population databases (gnomAD no frequency). This variant has not been reported in the literature in individuals affected with POLG2-related conditions. An algorithm developed to predict the effect of missense changes on protein structure and function (PolyPhen-2) suggests that this variant is likely to be tolerated. In summary, the available evidence is currently insufficient to determine the role of this variant in disease. Therefore, it has been classified as a Variant of Uncertain Significance.